The following is an entry in ClinVar:

ClinVar aggregate classification (germline): Pathogenic (1 of 4 stars; one submission).

Conditions:
Kostmann syndrome (SCN3). Also called: Autosomal recessive severe congenital neutropenia type 3; KOSTMANN DISEASE. Identifiers: Orphanet 99749, MedGen C5235141, MONDO:0012548, OMIM 610738.

Submission:

Labcorp Genetics (formerly Invitae), Labcorp
Classification: Pathogenic for Kostmann syndrome. Last evaluated: 2024-06-02. Review status: criteria provided, single submitter. Criteria: Invitae Variant Classification Sherloc (09022015). Collection method: clinical testing. Allele origin: germline.
Comment: This sequence change creates a premature translational stop signal (p.Pro58Leufs*27) in the HAX1 gene. It is expected to result in an absent or disrupted protein product. Loss-of-function variants in HAX1 are known to be pathogenic (PMID: 17187068). This variant is present in population databases (rs758657008, gnomAD 0.006%). This variant has not been reported in the literature in individuals affected with HAX1-related conditions. For these reasons, this variant has been classified as Pathogenic.

Literature cited by the submitters: PubMed 17187068.

NM_006118.4(HAX1):c.173del (p.Pro58fs)

Gene: HAX1 (HCLS1 associated protein X-1; plus strand). Cytogenetic location: 1q21.3.
Variant type: Deletion.
Coding change: c.173del on transcript NM_006118.4 (MANE Select); coding-DNA position 173, one base deleted (C; older notation c.173delC).
Protein change: p.Pro58fs; shifts the reading frame from proline 58.
Molecular consequence: frameshift variant. On other transcripts: intron variant (1).
Genome position (GRCh38, 1-based): chr1:154,273,455, C deleted; the last of 6 consecutive C bases (chr1:154,273,450-154,273,455); deleting any one gives the same sequence. VCF-style (leftmost placement, unchanged base first): chr1-154273449-AC-A. GRCh37 (hg19) VCF-style: chr1-154245925-AC-A.
Other names: c.54-25del (NM_001018837.2); short protein forms P58fs.
Identifiers: ClinVar variation 2911290 (VCV002911290.4), dbSNP rs758657008, ClinGen allele CA1127274.